The following is an entry in ClinVar:

ClinVar aggregate classification (germline): Benign/Likely benign. Review status: criteria provided, multiple submitters, no conflicts (2 of 4 stars). 7 submissions from 7 submitters: Benign (4); Likely benign (2). 1 of the submissions does not count toward it. Last evaluated 2026-02-02.

Conditions:
LAMA2-related muscular dystrophy (LAMA2-RD). Also called: Laminin alpha 2-related dystrophy. Identifiers: MedGen C5679788, MONDO:0100228.
Congenital muscular dystrophy due to partial LAMA2 deficiency. Identifiers: MedGen C1842898.

Allele frequency attached by ClinVar (database versions not stated): gnomAD exomes 0.00217; ExAC 0.00291; gnomAD 0.00835 and 0.00899; TOPMed 0.00937; ESP Exome Variant Server 0.01023; 1000 Genomes Project 0.01058; 1000 Genomes Project 30x 0.01077.
gnomAD v4.1: 2,436 of 1,613,452 alleles (0.15%); highest among the groups gnomAD compares: African/African-American, 3%; 38 homozygotes.

Submissions (7):

Labcorp Genetics (formerly Invitae), Labcorp
Classification: Benign for LAMA2-related muscular dystrophy. Last evaluated: 2026-02-02. Review status: criteria provided, single submitter. Criteria: Invitae Variant Classification Sherloc (09022015). Collection method: clinical testing. Allele origin: germline.

Mayo Clinic Laboratories, Mayo Clinic
Classification: Benign. Last evaluated: 2023-09-19. Review status: criteria provided, single submitter. Criteria: ACMG Guidelines, 2015. Collection method: clinical testing. Allele origin: germline. Observed: 6 variant alleles.
Comment: BS1, BS2, BP4

Illumina Laboratory Services, Illumina
Classification: Benign for Congenital muscular dystrophy due to partial LAMA2 deficiency. Last evaluated: 2018-01-13. Review status: criteria provided, single submitter. Criteria: ICSL Variant Classification Criteria 13 December 2019. Collection method: clinical testing. Allele origin: germline.
Comment: This variant was observed in the ICSL laboratory as part of a predisposition screen in an ostensibly healthy population. It had not been previously curated by ICSL or reported in the Human Gene Mutation Database (HGMD: prior to June 1st, 2018), and was therefore a candidate for classification through an automated scoring system. Utilizing variant allele frequency, disease prevalence and penetrance estimates, and inheritance mode, an automated score was calculated to assess if this variant is too frequent to cause the disease. Based on the score and internal cut-off values, a variant classified as benign is not then subjected to further curation. The score for this variant resulted in a classification of benign for this disease.

GeneDx
Classification: Benign. Last evaluated: 2016-08-16. Review status: criteria provided, single submitter. Criteria: GeneDx Variant Classification (06012015). Collection method: clinical testing. Allele origin: germline. Affected: yes.
Comment: This variant is considered likely benign or benign based on one or more of the following criteria: it is a conservative change, it occurs at a poorly conserved position in the protein, it is predicted to be benign by multiple in silico algorithms, and/or has population frequency not consistent with disease.

Breakthrough Genomics
Classification: Likely benign. Review status: criteria provided, single submitter. Criteria: ACMG Guidelines, 2015. Collection method: not provided. Allele origin: germline. Inheritance: Autosomal recessive inheritance. Affected: yes.

PreventionGenetics, part of Exact Sciences
Classification: Likely benign. Review status: criteria provided, single submitter. Criteria: ACMG Guidelines, 2015. Collection method: clinical testing. Allele origin: germline.

Genetic Services Laboratory, University of Chicago
Classification: Likely benign for AllHighlyPenetrant. Review status: no assertion criteria provided. Collection method: clinical testing. Allele origin: germline. Inheritance: Autosomal recessive inheritance. Not counted in ClinVar's aggregate classification.
Comment: Likely benign based on allele frequency in 1000 Genomes Project or ESP global frequency and its presence in a patient with a rare or unrelated disease phenotype. NOT Sanger confirmed.

NM_000426.4(LAMA2):c.1930C>G (p.His644Asp)

Gene: LAMA2 (laminin subunit alpha 2; plus strand). Cytogenetic location: 6q22.33.
Variant type: single nucleotide variant.
Coding change: c.1930C>G on transcript NM_000426.4 (MANE Select); coding-DNA position 1930, C replaced by G.
Protein change: p.His644Asp; replaces histidine 644 with aspartic acid.
Molecular consequence: missense variant.
Genome position (GRCh38, 1-based): chr6:129,252,129, C>G. VCF-style: chr6-129252129-C-G. GRCh37 (hg19) VCF-style: chr6-129573274-C-G.
Other names: c.1930C>G, p.His644Asp (NM_001079823.2); short protein forms H644D.
Identifiers: ClinVar variation 129435 (VCV000129435.22), dbSNP rs35879899, ClinGen allele CA153430.